The following is an entry in ClinVar:

NM_001394062.1(MACF1):c.3544del (p.Leu1182fs)

Gene: MACF1 (microtubule actin crosslinking factor 1; plus strand). Cytogenetic location: 1p34.3.
Variant type: Deletion.
Coding change: c.3544del on transcript NM_001394062.1 (MANE Select); coding-DNA position 3544, one base deleted (C; older notation c.3544delC).
Protein change: p.Leu1182fs; shifts the reading frame from leucine 1182.
Molecular consequence: frameshift variant.
Genome position (GRCh38, 1-based): chr1:39,316,485, C deleted. VCF-style (leftmost placement, unchanged base first): chr1-39316484-AC-A. GRCh37 (hg19) VCF-style: chr1-39782156-AC-A.
Other names: c.3559del, p.Leu1187fs (NM_012090.5); short protein forms L1182fs, L1187fs.
Identifiers: ClinVar variation 3900489 (VCV003900489.1).
Genomic context (GRCh38, chr1:39,316,484, plus strand): 5'-ACAGGATGCTGAACTCTTGGTCAAAGGTTATGAGATTAAGCTGAGTCAAGAAGAAGTAGT[AC>A]TGGCAGATCTCTCAGCTCTGGAGGCCCATTGGTCGACATTACGGGTGAGTTGCTCTGAGT-3'

ClinVar aggregate classification (germline): Uncertain significance (1 of 4 stars; one submission).

Submission:

GeneDx
Classification: Uncertain significance. Last evaluated: 2024-11-22. Review status: criteria provided, single submitter. Criteria: GeneDx Variant Classification Process June 2021. Collection method: clinical testing. Allele origin: germline. Affected: yes.
Comment: Not observed at significant frequency in large population cohorts (gnomAD); Frameshift variant predicted to result in protein truncation or nonsense mediated decay in a gene or region of a gene for which loss of function is not a well-established mechanism of disease; Has not been previously published as pathogenic or benign to our knowledge